The following is an entry in ClinVar:

ClinVar aggregate classification (germline): Uncertain significance (1 of 4 stars; one submission).

Conditions:
Hereditary cancer-predisposing syndrome. Also called: Tumor predisposition; Hereditary Cancer Syndrome; Hereditary neoplastic syndrome; Neoplastic Syndromes, Hereditary. Identifiers: Orphanet 140162, MedGen C0027672, MeSH D009386, MONDO:0015356.

Submission:

Ambry Genetics
Classification: Uncertain significance for Hereditary cancer-predisposing syndrome. Last evaluated: 2024-03-27. Review status: criteria provided, single submitter. Criteria: Ambry Variant Classification Scheme 2023. Collection method: clinical testing. Allele origin: germline.
Comment: The p.D387H variant (also known as c.1159G>C), located in coding exon 10 of the MRE11A gene, results from a G to C substitution at nucleotide position 1159. The aspartic acid at codon 387 is replaced by histidine, an amino acid with similar properties. This amino acid position is conserved. In addition, the in silico prediction for this alteration is inconclusive. Based on the available evidence, the clinical significance of this alteration remains unclear.

NM_005591.4(MRE11):c.1159G>C (p.Asp387His)

Gene: MRE11 (MRE11 double strand break repair nuclease; minus strand). Cytogenetic location: 11q21.
Variant type: single nucleotide variant.
Coding change: c.1159G>C on transcript NM_005591.4 (MANE Select); coding-DNA position 1159, G replaced by C.
Protein change: p.Asp387His; replaces aspartic acid 387 with histidine.
Molecular consequence: missense variant.
Genome position (GRCh38, 1-based): chr11:94,464,179, C>G on the plus strand (G>C on the coding strand, the complement: MRE11 is on the minus strand). VCF-style: chr11-94464179-C-G. GRCh37 (hg19) VCF-style: chr11-94197345-C-G.
Other names: c.1159G>C, p.Asp387His (NM_001330347.2, NM_005590.4); short protein forms D387H.
Identifiers: ClinVar variation 3295813 (VCV003295813.1).